The following is an entry in ClinVar:

ClinVar aggregate classification (germline): Uncertain significance (1 of 4 stars; one submission).

Conditions:
Gastrointestinal stromal tumor. Also called: Gastrointestinal stroma tumor; Gastrointestinal stromal tumor, somatic. Identifiers: Orphanet 44890, MedGen C0238198, MeSH D046152, MONDO:0011719, OMIM 606764, HP:0100723.

Allele frequency attached by ClinVar (database versions not stated): gnomAD exomes below 0.00001.
gnomAD v4.1: 1 of 1,614,086 alleles (0.000062%); highest among the groups gnomAD compares: South Asian, 0.0011%; no homozygotes.

Submission:

Labcorp Genetics (formerly Invitae), Labcorp
Classification: Uncertain significance for Gastrointestinal stromal tumor. Last evaluated: 2024-07-21. Review status: criteria provided, single submitter. Criteria: Invitae Variant Classification Sherloc (09022015). Collection method: clinical testing. Allele origin: germline.
Comment: This sequence change replaces glycine, which is neutral and non-polar, with arginine, which is basic and polar, at codon 872 of the KIT protein (p.Gly872Arg). This variant is not present in population databases (gnomAD no frequency). This variant has not been reported in the literature in individuals affected with KIT-related conditions. ClinVar contains an entry for this variant (Variation ID: 409733). An algorithm developed to predict the effect of missense changes on protein structure and function (PolyPhen-2) suggests that this variant is likely to be disruptive. In summary, the available evidence is currently insufficient to determine the role of this variant in disease. Therefore, it has been classified as a Variant of Uncertain Significance.

NM_000222.3(KIT):c.2614G>C (p.Gly872Arg)

Gene: KIT (KIT proto-oncogene, receptor tyrosine kinase; plus strand). Cytogenetic location: 4q12.
Variant type: single nucleotide variant.
Coding change: c.2614G>C on transcript NM_000222.3 (MANE Select); coding-DNA position 2614, G replaced by C.
Protein change: p.Gly872Arg; replaces glycine 872 with arginine.
Molecular consequence: missense variant.
Genome position (GRCh38, 1-based): chr4:54,736,738, G>C. VCF-style: chr4-54736738-G-C. GRCh37 (hg19) VCF-style: chr4-55602904-G-C.
Other names: c.2602G>C, p.Gly868Arg (NM_001093772.2, NM_001385292.1); c.2617G>C, p.Gly873Arg (NM_001385284.1); c.2611G>C, p.Gly871Arg (NM_001385285.1); c.2599G>C, p.Gly867Arg (NM_001385286.1); c.2605G>C, p.Gly869Arg (NM_001385288.1); c.2614G>C, p.Gly872Arg (NM_001385290.1); short protein forms G872R, G868R, G867R, G869R, G871R, G873R.
Identifiers: ClinVar variation 409733 (VCV000409733.9), dbSNP rs1060502546, ClinGen allele CA16611687.